The following is an entry in ClinVar:

NM_015154.3(MESD):c.632dup (p.Lys212fs)

Gene: MESD (mesoderm development LRP chaperone; minus strand). Cytogenetic location: 15q25.1.
Variant type: Duplication.
Coding change: c.632dup on transcript NM_015154.3 (MANE Select); coding-DNA position 632, one base duplicated (A; older notation c.632dupA).
Protein change: p.Lys212fs; shifts the reading frame from lysine 212.
Molecular consequence: frameshift variant. On other transcripts: non-coding transcript variant (1).
Genome position (GRCh38, 1-based): chr15:80,979,292, T duplicated on the plus strand (A on the coding strand, the reverse complement: MESD is on the minus strand); the first of 8 consecutive T bases (chr15:80,979,292-80,979,299); duplicating any one gives the same sequence. VCF-style (leftmost placement, unchanged base first): chr15-80979291-C-CT. GRCh37 (hg19) VCF-style: chr15-81271632-C-CT.
Other names: short protein forms K212fs.
Identifiers: ClinVar variation 692262 (VCV000692262.4), dbSNP rs745891632, ClinGen allele CA7693859.

ClinVar aggregate classification (germline): Likely pathogenic. Review status: criteria provided, single submitter (1 of 4 stars). 2 submissions from 2 submitters: Likely pathogenic (1). 1 of the submissions does not count toward it. Last evaluated 2023-05-29.

Conditions:
Osteogenesis imperfecta, type 20. Also called: OSTEOGENESIS IMPERFECTA, TYPE XX. Identifiers: MedGen C5231439, MONDO:0032846, OMIM 618644.

Submissions (2):

Labcorp Genetics (formerly Invitae), Labcorp
Classification: Likely pathogenic. Last evaluated: 2023-05-29. Review status: criteria provided, single submitter. Criteria: Invitae Variant Classification Sherloc (09022015). Collection method: clinical testing. Allele origin: germline.
Comment: The frequency data for this variant in the population databases is considered unreliable, as metrics indicate poor data quality at this position in the gnomAD database. In summary, the currently available evidence indicates that the variant is pathogenic, but additional data are needed to prove that conclusively. Therefore, this variant has been classified as Likely Pathogenic. ClinVar contains an entry for this variant (Variation ID: 692262). This premature translational stop signal has been observed in individual(s) with osteogenesis imperfecta (PMID: 31564437). This sequence change creates a premature translational stop signal (p.Lys212Glufs*19) in the MESDC2 gene. While this is not anticipated to result in nonsense mediated decay, it is expected to disrupt the last 23 amino acid(s) of the MESDC2 protein.

OMIM
Classification: Pathogenic for OSTEOGENESIS IMPERFECTA, TYPE XX. Last evaluated: 2019-10-25. Review status: no assertion criteria provided. Collection method: literature only. Allele origin: germline. Not counted in ClinVar's aggregate classification.

Literature cited by the submitters: PubMed 31564437 (cited by Labcorp Genetics (formerly Invitae), Labcorp and OMIM).